The following is an entry in ClinVar:

NM_001349884.2(DRAM2):c.135C>G (p.Asp45Glu)

Gene: DRAM2 (DNA damage regulated autophagy modulator 2; minus strand). Cytogenetic location: 1p13.3.
Variant type: single nucleotide variant.
Coding change: c.135C>G on transcript NM_001349884.2 (MANE Select); coding-DNA position 135, C replaced by G.
Protein change: p.Asp45Glu; replaces aspartic acid 45 with glutamic acid.
Molecular consequence: missense variant. On other transcripts: 5 prime UTR variant (8), non-coding transcript variant (8).
Genome position (GRCh38, 1-based): chr1:111,126,291, G>C on the plus strand (C>G on the coding strand, the complement: DRAM2 is on the minus strand). VCF-style: chr1-111126291-G-C. GRCh37 (hg19) VCF-style: chr1-111668913-G-C.
Other names: c.135C>G, p.Asp45Glu (NM_001349881.2, NM_001349882.2, NM_001349885.2 and 1 more transcripts); c.-24C>G (NM_001349886.2, NM_001349887.2, NM_001349888.2); c.-116C>G (NM_001349889.2, NM_001349890.2, NM_001349892.2 and 1 more transcripts); c.-284C>G (NM_001349891.2); short protein forms D45E.
Identifiers: ClinVar variation 1511553 (VCV001511553.8), dbSNP rs1183869089, ClinGen allele CA341819579.
Genomic context (GRCh38, chr1:111,126,291, plus strand): 5'-AACTGCCGCAATATTTAGCATTGCCCCAAATAAGCATTTTTCTGGAGCTACTGTACCAGT[G>C]TCACTGAAAGAAAAAAAGGAAGGTATGTGGATTTCTCATACTAGATAAACACATATATTT-3'
Protein context (NP_001336813.1, residues 35-55): HIDPALPYIS[Asp45Glu]TGTVAPEKCL

ClinVar aggregate classification (germline): Uncertain significance (1 of 4 stars; one submission).

Submission:

Labcorp Genetics (formerly Invitae), Labcorp
Classification: Uncertain significance. Last evaluated: 2024-01-02. Review status: criteria provided, single submitter. Criteria: Invitae Variant Classification Sherloc (09022015). Collection method: clinical testing. Allele origin: germline.
Comment: This sequence change replaces aspartic acid, which is acidic and polar, with glutamic acid, which is acidic and polar, at codon 45 of the DRAM2 protein (p.Asp45Glu). This variant is not present in population databases (gnomAD no frequency). This variant has not been reported in the literature in individuals affected with DRAM2-related conditions. ClinVar contains an entry for this variant (Variation ID: 1511553). Advanced modeling of protein sequence and biophysical properties (such as structural, functional, and spatial information, amino acid conservation, physicochemical variation, residue mobility, and thermodynamic stability) performed at Invitae indicates that this missense variant is not expected to disrupt DRAM2 protein function with a negative predictive value of 80%. In summary, the available evidence is currently insufficient to determine the role of this variant in disease. Therefore, it has been classified as a Variant of Uncertain Significance.